The following is an entry in ClinVar:

ClinVar aggregate classification (germline): Likely benign (1 of 4 stars; one submission).

Allele frequency attached by ClinVar (database versions not stated): 1000 Genomes Project 0.00300; 1000 Genomes Project 30x 0.00312; ESP Exome Variant Server 0.00515.
gnomAD v4.1: 10,967 of 1,590,696 alleles (0.69%); highest among the groups gnomAD compares: Middle Eastern, 1%; 59 homozygotes.

Submission:

CeGaT Center for Human Genetics Tuebingen
Classification: Likely benign. Last evaluated: 2023-04-01. Review status: criteria provided, single submitter. Criteria: CeGaT Center For Human Genetics Tuebingen Variant Classification Criteria Version 2. Collection method: clinical testing. Allele origin: germline. Affected: yes. Observed: 1 variant allele.
Comment: HELZ2: BP4, BP7, BS2

NM_001037335.2(HELZ2):c.5877C>G (p.Ala1959=)

Gene: HELZ2 (helicase with zinc finger 2; minus strand). Cytogenetic location: 20q13.33.
Variant type: single nucleotide variant.
Coding change: c.5877C>G on transcript NM_001037335.2 (MANE Select); coding-DNA position 5877, C replaced by G.
Protein change: p.Ala1959=; no amino-acid change (alanine 1959 retained).
Molecular consequence: synonymous variant.
Genome position (GRCh38, 1-based): chr20:63,562,945, G>C on the plus strand (C>G on the coding strand, the complement: HELZ2 is on the minus strand). VCF-style: chr20-63562945-G-C. GRCh37 (hg19) VCF-style: chr20-62194298-G-C.
Other names: c.4170C>G, p.Ala1390= (NM_033405.3).
Identifiers: ClinVar variation 2652552 (VCV002652552.24), dbSNP rs143139621, ClinGen allele CA9961677.